The following is an entry in ClinVar:

NM_030912.3(TRIM8):c.656G>T (p.Arg219Leu)

Gene: TRIM8 (tripartite motif containing 8; plus strand). Cytogenetic location: 10q24.32.
Variant type: single nucleotide variant.
Coding change: c.656G>T on transcript NM_030912.3 (MANE Select); coding-DNA position 656, G replaced by T.
Protein change: p.Arg219Leu; replaces arginine 219 with leucine.
Molecular consequence: missense variant. On other transcripts: non-coding transcript variant (1), intron variant (1).
Genome position (GRCh38, 1-based): chr10:102,654,738, G>T. VCF-style: chr10-102654738-G-T. GRCh37 (hg19) VCF-style: chr10-104414495-G-T.
Other names: c.571-342G>T (NM_001345950.1); short protein forms R219L.
Identifiers: ClinVar variation 2026198 (VCV002026198.4), dbSNP rs760338665, ClinGen allele CA5668128.

ClinVar aggregate classification (germline): Uncertain significance (1 of 4 stars; one submission).

gnomAD v4.1: 1 of 1,613,940 alleles (0.000062%); highest among the groups gnomAD compares: African/African-American, 0.0013%; no homozygotes.

Submission:

Labcorp Genetics (formerly Invitae), Labcorp
Classification: Uncertain significance. Last evaluated: 2024-10-21. Review status: criteria provided, single submitter. Criteria: Invitae Variant Classification Sherloc (09022015). Collection method: clinical testing. Allele origin: germline.
Comment: This sequence change replaces arginine, which is basic and polar, with leucine, which is neutral and non-polar, at codon 219 of the TRIM8 protein (p.Arg219Leu). This variant is present in population databases (rs760338665, gnomAD 0.0009%). This variant has not been reported in the literature in individuals affected with TRIM8-related conditions. ClinVar contains an entry for this variant (Variation ID: 2026198). An algorithm developed to predict the effect of missense changes on protein structure and function (PolyPhen-2) suggests that this variant is likely to be tolerated. In summary, the available evidence is currently insufficient to determine the role of this variant in disease. Therefore, it has been classified as a Variant of Uncertain Significance.